The following is an entry in ClinVar:

ClinVar aggregate classification (germline): Pathogenic. Review status: criteria provided, single submitter (1 of 4 stars). 2 submissions from 2 submitters: Pathogenic (1). 1 of the submissions does not count toward it. Last evaluated 2026-04-30.

Conditions:
Autosomal dominant polycystic liver disease. Also called: Congenital cystic disease of liver; Polycystic liver disease. Identifiers: Orphanet 2924, MedGen C0158683, MONDO:0000447, HP:0006557.
Polycystic liver disease 1 (PCLD1). Also called: Polycystic liver disease 1 with or without kidney cysts. Identifiers: Orphanet 2924, MedGen C0887850, MONDO:0008265, OMIM 174050.

Allele frequency attached by ClinVar (database versions not stated): gnomAD exomes below 0.00001.

Submissions (2):

Women's Health and Genetics/Laboratory Corporation of America, LabCorp
Classification: Pathogenic for Polycystic liver disease 1. Last evaluated: 2026-04-30. Review status: criteria provided, single submitter. Criteria: LabCorp Variant Classification Summary - May 2015. Collection method: clinical testing. Allele origin: germline.
Comment: Variant summary: PRKCSH c.487C>T (p.Gln163X) results in a premature termination codon, predicted to cause a truncation of the encoded protein or absence of the protein due to nonsense mediated decay, which are commonly known mechanisms for disease. The variant was absent in 240112 control chromosomes (gnomAD). c.487C>T has been observed in individuals affected with Polycystic Liver Disease 1 (Waanders_2010). The following publication has been ascertained in the context of this evaluation (PMID: 20095989). ClinVar contains an entry for this variant (Variation ID: 1255667). Based on the evidence outlined above, the variant was classified as pathogenic.

Laboratory of Gastroenterology and Hepatology, Radboud University Medical Center
Classification: Pathogenic for Autosomal dominant polycystic liver disease. Last evaluated: 2021-09-01. Review status: no assertion criteria provided. Collection method: research. Allele origin: germline. Affected: yes. Not counted in ClinVar's aggregate classification.

Literature cited by the submitters: PubMed 20095989 (cited by Women's Health and Genetics/Laboratory Corporation of America, LabCorp).

NM_001289104.2(PRKCSH):c.487C>T (p.Gln163Ter)

Gene: PRKCSH (PRKCSH beta subunit of glucosidase II; plus strand). Cytogenetic location: 19p13.2.
Variant type: single nucleotide variant.
Coding change: c.487C>T on transcript NM_001289104.2 (MANE Select); coding-DNA position 487, C replaced by T.
Protein change: p.Gln163Ter; replaces glutamine 163 with a stop codon.
Molecular consequence: nonsense.
Genome position (GRCh38, 1-based): chr19:11,442,404, C>T. VCF-style: chr19-11442404-C-T. GRCh37 (hg19) VCF-style: chr19-11553219-C-T.
Other names: c.487C>T, p.Gln163Ter (NM_001001329.3, NM_001289102.2, NM_001289103.2 and 3 more transcripts); short protein forms Q163*.
Identifiers: ClinVar variation 1255667 (VCV001255667.3), dbSNP rs2144826022, ClinGen allele CA404133425.